The following is an entry in ClinVar:

ClinVar aggregate classification (germline): Uncertain significance. Review status: criteria provided, multiple submitters, no conflicts (2 of 4 stars). 2 submissions from 2 submitters: Uncertain significance (2). Last evaluated 2025-08-06.

Conditions:
Long QT syndrome (LQTS). Identifiers: MedGen C0023976, MeSH D008133, MONDO:0002442. Disease mechanism: loss of function. Inheritance: Various modes of inheritance.
Cardiovascular phenotype. Identifiers: MedGen CN230736.

Allele frequency attached by ClinVar (database versions not stated): gnomAD 0.00006.
gnomAD v4.1: 11 of 1,351,746 alleles (0.00081%); highest among the groups gnomAD compares: African/African-American, 0.014%; no homozygotes.

Submissions (2):

Ambry Genetics
Classification: Uncertain significance for Cardiovascular phenotype. Last evaluated: 2025-08-06. Review status: criteria provided, single submitter. Criteria: Ambry Variant Classification Scheme 2023. Collection method: clinical testing. Allele origin: germline.
Comment: The p.L32M variant (also known as c.94C>A), located in coding exon 1 of the SNTA1 gene, results from a C to A substitution at nucleotide position 94. The leucine at codon 32 is replaced by methionine, an amino acid with highly similar properties. This amino acid position is well conserved in available vertebrate species. In addition, this alteration is predicted to be tolerated by in silico analysis. Since supporting evidence is limited at this time, the clinical significance of this alteration remains unclear.

Labcorp Genetics (formerly Invitae), Labcorp
Classification: Uncertain significance for Long QT syndrome. Last evaluated: 2024-01-03. Review status: criteria provided, single submitter. Criteria: Invitae Variant Classification Sherloc (09022015). Collection method: clinical testing. Allele origin: germline.
Comment: This sequence change replaces leucine, which is neutral and non-polar, with methionine, which is neutral and non-polar, at codon 32 of the SNTA1 protein (p.Leu32Met). This variant is present in population databases (no rsID available, gnomAD 0.01%). This variant has not been reported in the literature in individuals affected with SNTA1-related conditions. ClinVar contains an entry for this variant (Variation ID: 1767157). Advanced modeling of protein sequence and biophysical properties (such as structural, functional, and spatial information, amino acid conservation, physicochemical variation, residue mobility, and thermodynamic stability) has been performed at Invitae for this missense variant, however the output from this modeling did not meet the statistical confidence thresholds required to predict the impact of this variant on SNTA1 protein function. In summary, the available evidence is currently insufficient to determine the role of this variant in disease. Therefore, it has been classified as a Variant of Uncertain Significance.

NM_003098.3(SNTA1):c.94C>A (p.Leu32Met)

Genes: SNTA1 (syntrophin alpha 1; minus strand), LOC130065680 (ATAC-STARR-seq lymphoblastoid silent region 12812; plus strand). Cytogenetic location: 20q11.21.
Variant type: single nucleotide variant.
Coding change: c.94C>A on transcript NM_003098.3 (MANE Select); coding-DNA position 94, C replaced by A.
Protein change: p.Leu32Met; replaces leucine 32 with methionine.
Molecular consequence: missense variant.
Genome position (GRCh38, 1-based): chr20:33,443,527, G>T on the plus strand (C>A on the coding strand, the complement: SNTA1 is on the minus strand). VCF-style: chr20-33443527-G-T. GRCh37 (hg19) VCF-style: chr20-32031333-G-T.
Other names: short protein forms L32M.
Identifiers: ClinVar variation 1767157 (VCV001767157.6), dbSNP rs974292570, ClinGen allele CA313279111.
Genomic context (GRCh38, chr20:33,443,527, plus strand): 5'-CGGGACCAGGGTCGCCGTCGGCGGGGCTCACGGTCAGCACGTCCTCCGCCAGACTCAGCA[G>T]CACCCGCTGCCATCGCTCGCCGCCGGCCCCCGAGCCCGCCCCGGCGCGCAGCTCCAGCAG-3'
Protein context (NP_003089.1, residues 22-42): GAGGERWQRV[Leu32Met]LSLAEDVLTV